The following is an entry in ClinVar:

ClinVar aggregate classification (germline): Uncertain significance (1 of 4 stars; one submission).

Conditions:
Walker-Warburg congenital muscular dystrophy. Also called: Muscular dystrophy-dystroglycanopathy, type A; Walker-Warburg syndrome. Identifiers: Orphanet 899, MedGen C0265221, MONDO:0000171.

Submission:

Labcorp Genetics (formerly Invitae), Labcorp
Classification: Uncertain significance for Walker-Warburg congenital muscular dystrophy. Last evaluated: 2022-08-23. Review status: criteria provided, single submitter. Criteria: Invitae Variant Classification Sherloc (09022015). Collection method: clinical testing. Allele origin: germline.
Comment: In summary, the available evidence is currently insufficient to determine the role of this variant in disease. Therefore, it has been classified as a Variant of Uncertain Significance. Variants that disrupt the consensus splice site are a relatively common cause of aberrant splicing (PMID: 17576681, 9536098). Algorithms developed to predict the effect of sequence changes on RNA splicing suggest that this variant is not likely to affect RNA splicing. ClinVar contains an entry for this variant (Variation ID: 1486853). This variant has not been reported in the literature in individuals affected with FKTN-related conditions. This variant is not present in population databases (gnomAD no frequency). This sequence change falls in intron 5 of the FKTN gene. It does not directly change the encoded amino acid sequence of the FKTN protein. It affects a nucleotide within the consensus splice site.

Literature cited by the submitters: PubMed 17576681; PubMed 9536098.

NM_001079802.2(FKTN):c.369+5G>C

Gene: FKTN (fukutin; plus strand). Cytogenetic location: 9q31.2.
Variant type: single nucleotide variant.
Coding change: c.369+5G>C on transcript NM_001079802.2 (MANE Select); 5 bases into the intron after coding-DNA position 369, G replaced by C.
Molecular consequence: intron variant.
Genome position (GRCh38, 1-based): chr9:105,601,353, G>C. VCF-style: chr9-105601353-G-C. GRCh37 (hg19) VCF-style: chr9-108363634-G-C.
Other names: c.369+5G>C (NM_006731.2, NM_001351496.2, NM_001198963.2 and 1 more transcripts); c.-146+5G>C (NM_001351502.2, NM_001351499.2, NM_001351500.2 and 1 more transcripts); c.300+5G>C (NM_001351497.2).
Identifiers: ClinVar variation 1486853 (VCV001486853.6), dbSNP rs2132709437, ClinGen allele CA2573143658.